The following is an entry in ClinVar:

ClinVar aggregate classification (germline): Likely benign (1 of 4 stars; one submission).

gnomAD v4.1: 5 of 1,613,936 alleles (0.00031%); highest among the groups gnomAD compares: Admixed American, 0.0017%; no homozygotes.

Submission:

CeGaT Center for Human Genetics Tuebingen
Classification: Likely benign. Last evaluated: 2024-03-01. Review status: criteria provided, single submitter. Criteria: CeGaT Center For Human Genetics Tuebingen Variant Classification Criteria Version 2. Collection method: clinical testing. Allele origin: germline. Affected: yes. Observed: 1 variant allele.
Comment: NTRK2: BP4, BP7

NM_006180.6(NTRK2):c.1848C>T (p.Ile616=)

Gene: NTRK2 (neurotrophic receptor tyrosine kinase 2; plus strand). Cytogenetic location: 9q21.33.
Variant type: single nucleotide variant.
Coding change: c.1848C>T on transcript NM_006180.6 (MANE Select); coding-DNA position 1848, C replaced by T.
Protein change: p.Ile616=; no amino-acid change (isoleucine 616 retained).
Molecular consequence: synonymous variant.
Genome position (GRCh38, 1-based): chr9:84,948,545, C>T. VCF-style: chr9-84948545-C-T. GRCh37 (hg19) VCF-style: chr9-87563460-C-T.
Other names: c.1800C>T, p.Ile600= (NM_001018064.3, NM_001369532.1, NM_001369533.1); c.1764C>T, p.Ile588= (NM_001369534.1); c.1332C>T, p.Ile444= (NM_001369535.1); c.1380C>T, p.Ile460= (NM_001369536.1); c.1848C>T, p.Ile616= (NM_001381928.1).
Identifiers: ClinVar variation 3067480 (VCV003067480.21), dbSNP rs2289657, ClinGen allele CA465896110.